The following is an entry in ClinVar:

ClinVar aggregate classification (germline): Benign/Likely benign. Review status: criteria provided, multiple submitters, no conflicts (2 of 4 stars). 2 submissions from 2 submitters: Benign (1); Likely benign (1). Last evaluated 2026-01-13.

Conditions:
Long QT syndrome (LQTS). Identifiers: MedGen C0023976, MeSH D008133, MONDO:0002442. Disease mechanism: loss of function. Inheritance: Various modes of inheritance.

Allele frequency attached by ClinVar (database versions not stated): gnomAD 0.00001; gnomAD exomes 0.00001; TOPMed 0.00002; ExAC 0.00005.
gnomAD v4.1: 18 of 1,522,602 alleles (0.0012%); highest among the groups gnomAD compares: African/African-American, 0.0028%; no homozygotes.

Submissions (2):

Labcorp Genetics (formerly Invitae), Labcorp
Classification: Likely benign for Long QT syndrome. Last evaluated: 2026-01-13. Review status: criteria provided, single submitter. Criteria: Invitae Variant Classification Sherloc (09022015). Collection method: clinical testing. Allele origin: germline.

GeneDx
Classification: Benign. Last evaluated: 2014-10-24. Review status: criteria provided, single submitter. Criteria: GeneDx Variant Classification (06012015). Collection method: clinical testing. Allele origin: germline. Affected: yes.
Comment: This variant is considered likely benign or benign based on one or more of the following criteria: it is a conservative change, it occurs at a poorly conserved position in the protein, it is predicted to be benign by multiple in silico algorithms, and/or has population frequency not consistent with disease.

NM_000719.7(CACNA1C):c.50-18T>C

Gene: CACNA1C (calcium voltage-gated channel subunit alpha1 C; plus strand). Cytogenetic location: 12p13.33.
Variant type: single nucleotide variant.
Coding change: c.50-18T>C on transcript NM_000719.7 (MANE Select); 18 bases into the intron before coding-DNA position 50, T replaced by C.
Molecular consequence: intron variant.
Genome position (GRCh38, 1-based): chr12:2,115,206, T>C. VCF-style: chr12-2115206-T-C. GRCh37 (hg19) VCF-style: chr12-2224372-T-C.
Other names: c.50-18T>C (NM_001167624.3, NM_001167623.2, NM_001167625.2 and 19 more transcripts).
Identifiers: ClinVar variation 190619 (VCV000190619.6), dbSNP rs750923289, ClinGen allele CA301131.